The following is an entry in ClinVar:

NM_000197.2(HSD17B3):c.199G>T (p.Glu67Ter)

Genes: HSD17B3 (hydroxysteroid 17-beta dehydrogenase 3; minus strand), SLC35D2-HSD17B3 (SLC35D2-HSD17B3 readthrough; minus strand). Cytogenetic location: 9q22.32.
Variant type: single nucleotide variant.
Coding change: c.199G>T on transcript NM_000197.2 (MANE Select); coding-DNA position 199, G replaced by T.
Protein change: p.Glu67Ter; replaces glutamic acid 67 with a stop codon.
Molecular consequence: nonsense. On other transcripts: non-coding transcript variant (1).
Genome position (GRCh38, 1-based): chr9:96,298,418, C>A on the plus strand (G>T on the coding strand, the complement: HSD17B3 is on the minus strand). VCF-style: chr9-96298418-C-A. GRCh37 (hg19) VCF-style: chr9-99060700-C-A.
Other names: short protein forms E67*.
Identifiers: ClinVar variation 2969610 (VCV002969610.3), dbSNP rs1017003712, ClinGen allele CA374126349.

ClinVar aggregate classification (germline): Pathogenic (1 of 4 stars; one submission).

Submission:

Labcorp Genetics (formerly Invitae), Labcorp
Classification: Pathogenic. Last evaluated: 2023-07-21. Review status: criteria provided, single submitter. Criteria: Invitae Variant Classification Sherloc (09022015). Collection method: clinical testing. Allele origin: germline.
Comment: This sequence change creates a premature translational stop signal (p.Glu67*) in the HSD17B3 gene. It is expected to result in an absent or disrupted protein product. Loss-of-function variants in HSD17B3 are known to be pathogenic (PMID: 23796702, 25740850). This variant is not present in population databases (gnomAD no frequency). This variant has not been reported in the literature in individuals affected with HSD17B3-related conditions. For these reasons, this variant has been classified as Pathogenic.

Literature cited by the submitters: PubMed 23796702; PubMed 25740850.